The following is an entry in ClinVar:

NM_001369.3(DNAH5):c.5196G>T (p.Ala1732=)

Gene: DNAH5 (dynein axonemal heavy chain 5; minus strand). Cytogenetic location: 5p15.2.
Variant type: single nucleotide variant.
Coding change: c.5196G>T on transcript NM_001369.3 (MANE Select); coding-DNA position 5196, G replaced by T.
Protein change: p.Ala1732=; no amino-acid change (alanine 1732 retained).
Molecular consequence: synonymous variant.
Genome position (GRCh38, 1-based): chr5:13,844,912, C>A on the plus strand (G>T on the coding strand, the complement: DNAH5 is on the minus strand). VCF-style: chr5-13844912-C-A. GRCh37 (hg19) VCF-style: chr5-13845021-C-A.
Identifiers: ClinVar variation 258042 (VCV000258042.44), dbSNP rs201484389, ClinGen allele CA3203765.

ClinVar aggregate classification (germline): Conflicting classifications of pathogenicity. Review status: criteria provided, conflicting classifications (1 of 4 stars). 6 submissions from 6 submitters: Uncertain significance (1); Likely benign (5). Last evaluated 2026-01-28.

Conditions:
Primary ciliary dyskinesia. Also called: Ciliary dyskinesia. Identifiers: Orphanet 244, MedGen C0008780, MONDO:0016575, HP:0012265.
Primary ciliary dyskinesia 3. Identifiers: Orphanet 244, MedGen C1837618, MONDO:0012085, OMIM 608644.

Allele frequency attached by ClinVar (database versions not stated): ESP Exome Variant Server 0.00015; 1000 Genomes Project 30x 0.00016; 1000 Genomes Project 0.00020; gnomAD 0.00022; TOPMed 0.00026.
gnomAD v4.1: 636 of 1,614,146 alleles (0.039%); highest among the groups gnomAD compares: Non-Finnish European, 0.052%; no homozygotes.

Submissions (6):

Labcorp Genetics (formerly Invitae), Labcorp
Classification: Likely benign for Primary ciliary dyskinesia. Last evaluated: 2026-01-28. Review status: criteria provided, single submitter. Criteria: Invitae Variant Classification Sherloc (09022015). Collection method: clinical testing. Allele origin: germline.

Blueprint Genetics
Classification: Likely benign. Last evaluated: 2024-09-25. Review status: criteria provided, single submitter. Criteria: ACMG Guidelines, 2015. Collection method: clinical testing. Allele origin: germline.

CeGaT Center for Human Genetics Tuebingen
Classification: Likely benign. Last evaluated: 2023-05-01. Review status: criteria provided, single submitter. Criteria: CeGaT Center For Human Genetics Tuebingen Variant Classification Criteria Version 2. Collection method: clinical testing. Allele origin: germline. Affected: yes. Observed: 1 variant allele.
Comment: DNAH5: BP4, BP7

Illumina Laboratory Services, Illumina
Classification: Uncertain significance for Primary ciliary dyskinesia 3. Last evaluated: 2018-01-13. Review status: criteria provided, single submitter. Criteria: ICSL Variant Classification Criteria 13 December 2019. Collection method: clinical testing. Allele origin: germline.

Ambry Genetics
Classification: Likely benign for Primary ciliary dyskinesia. Last evaluated: 2016-02-02. Review status: criteria provided, single submitter. Criteria: Ambry Variant Classification Scheme 2023. Collection method: clinical testing. Allele origin: germline.

PreventionGenetics, part of Exact Sciences
Classification: Likely benign. Review status: criteria provided, single submitter. Criteria: ACMG Guidelines, 2015. Collection method: clinical testing. Allele origin: germline.